The following is an entry in ClinVar:

NM_001042750.2(STAG2):c.1412_1416+9del

Gene: STAG2 (STAG2 cohesin complex component; plus strand). Cytogenetic location: Xq25.
Variant type: Deletion.
Coding change: c.1412_1416+9del on transcript NM_001042750.2 (MANE Select); coding-DNA position 1412 through 9 bases into the intron after coding-DNA position 1416, 14 bases deleted (GTGAGGTTAGTTGA).
Molecular consequence: splice donor variant.
Genome position (GRCh38, 1-based): chrX:124,057,973-124,057,986, GTGAGGTTAGTTGA deleted; deleting any 14 consecutive bases within chrX:124,057,972-124,057,986 gives the same sequence; the c. name uses the placement nearest the transcript's 3' end. VCF-style (leftmost placement, unchanged base first): chrX-124057971-AAGTGAGGTTAGTTG-A. GRCh37 (hg19) VCF-style: chrX-123191821-AAGTGAGGTTAGTTG-A.
Other names: c.1412_1416+9del (NM_001042749.2, NM_001375366.1, NM_001375373.1 and 13 more transcripts).
Identifiers: ClinVar variation 1326915 (VCV001326915.3), dbSNP rs2148280047, ClinGen allele CA2573055098.
Genomic context (GRCh38, chrX:124,057,971, plus strand): 5'-AAGAGGAAGACAAGGTCCAAATGCCAACCTTGTTAAGACATTGGTTTTTTTCTTTCTAGA[AAGTGAGGTTAGTTG>A]ATAGTATTTATTTTATACTTAGGTTCGAAAAATTTTGGAAAAGGGGTTAAAATGAGGCAC-3'

ClinVar aggregate classification (germline): Pathogenic (1 of 4 stars; one submission).

Conditions:
Holoprosencephaly 13, X-linked. Identifiers: MedGen C5393308, MONDO:0026763, OMIM 301043.

Submission:

Institute of Human Genetics, University of Goettingen
Classification: Pathogenic for Holoprosencephaly 13, X-linked. Last evaluated: 2021-12-03. Review status: criteria provided, single submitter. Criteria: ACMG Guidelines, 2015. Collection method: clinical testing. Allele origin: de novo. Inheritance: X-linked dominant inheritance. Affected: yes. Observed: 1 heterozygote.
Comment: It was found to be de novo. The mutation affects concensus splice site. The following ACMG criteria were included: PVS1, PM2, PM6. resulting in pathogenic classification.